The following is an entry in ClinVar:

ClinVar aggregate classification (germline): Uncertain significance (1 of 4 stars; one submission).

gnomAD v4.1: 7 of 1,614,024 alleles (0.00043%); highest among the groups gnomAD compares: Non-Finnish European, 0.00059%; no homozygotes.

Submission:

Labcorp Genetics (formerly Invitae), Labcorp
Classification: Uncertain significance. Last evaluated: 2022-06-08. Review status: criteria provided, single submitter. Criteria: Invitae Variant Classification Sherloc (09022015). Collection method: clinical testing. Allele origin: germline.
Comment: This sequence change replaces alanine, which is neutral and non-polar, with valine, which is neutral and non-polar, at codon 931 of the ALPK3 protein (p.Ala931Val). In summary, the available evidence is currently insufficient to determine the role of this variant in disease. Therefore, it has been classified as a Variant of Uncertain Significance. Algorithms developed to predict the effect of missense changes on protein structure and function output the following: SIFT: "Tolerated"; PolyPhen-2: "Benign"; Align-GVGD: "Class C0". The valine amino acid residue is found in multiple mammalian species, which suggests that this missense change does not adversely affect protein function. This variant has not been reported in the literature in individuals affected with ALPK3-related conditions. This variant is not present in population databases (gnomAD no frequency).

NM_020778.5(ALPK3):c.2186C>T (p.Ala729Val)

Gene: ALPK3 (alpha kinase 3; plus strand). Cytogenetic location: 15q25.3.
Variant type: single nucleotide variant.
Coding change: c.2186C>T on transcript NM_020778.5 (MANE Select); coding-DNA position 2186, C replaced by T.
Protein change: p.Ala729Val; replaces alanine 729 with valine.
Molecular consequence: missense variant.
Genome position (GRCh38, 1-based): chr15:84,856,924, C>T. VCF-style: chr15-84856924-C-T. GRCh37 (hg19) VCF-style: chr15-85400155-C-T.
Other names: short protein forms A729V.
Identifiers: ClinVar variation 1957644 (VCV001957644.5), dbSNP rs911249930, ClinGen allele CA393356259.